The following is an entry in ClinVar:

ClinVar aggregate classification (germline): Uncertain significance. Review status: criteria provided, multiple submitters, no conflicts (2 of 4 stars). 2 submissions from 2 submitters: Uncertain significance (2). Last evaluated 2025-12-10.

Conditions:
Gingival disorder. Also called: Gingival disease. Identifiers: MedGen C0017563, MONDO:0002021.

Allele frequency attached by ClinVar (database versions not stated): gnomAD exomes below 0.00001.
gnomAD v4.1: 1 of 1,614,154 alleles (0.000062%); highest among the groups gnomAD compares: Admixed American, 0.0017%; no homozygotes.

Submissions (2):

Labcorp Genetics (formerly Invitae), Labcorp
Classification: Uncertain significance for Gingival disorder. Last evaluated: 2025-12-10. Review status: criteria provided, single submitter. Criteria: Invitae Variant Classification Sherloc (09022015). Collection method: clinical testing. Allele origin: germline.
Comment: This sequence change replaces serine, which is neutral and polar, with proline, which is neutral and non-polar, at codon 328 of the FPR1 protein (p.Ser328Pro). This variant is not present in population databases (gnomAD no frequency). This variant has not been reported in the literature in individuals affected with FPR1-related conditions. ClinVar contains an entry for this variant (Variation ID: 2147975). An algorithm developed to predict the effect of missense changes on protein structure and function outputs the following: PolyPhen-2: "Benign". The proline amino acid residue is found in multiple mammalian species, which suggests that this missense change does not adversely affect protein function. In summary, the available evidence is currently insufficient to determine the role of this variant in disease. Therefore, it has been classified as a Variant of Uncertain Significance.

Ambry Genetics
Classification: Uncertain significance. Last evaluated: 2022-12-06. Review status: criteria provided, single submitter. Criteria: Ambry Variant Classification Scheme 2023. Collection method: clinical testing. Allele origin: germline.

NM_002029.4(FPR1):c.982T>C (p.Ser328Pro)

Gene: FPR1 (formyl peptide receptor 1; minus strand). Cytogenetic location: 19q13.41.
Variant type: single nucleotide variant.
Coding change: c.982T>C on transcript NM_002029.4 (MANE Select); coding-DNA position 982, T replaced by C.
Protein change: p.Ser328Pro; replaces serine 328 with proline.
Molecular consequence: missense variant.
Genome position (GRCh38, 1-based): chr19:51,746,013, A>G on the plus strand (T>C on the coding strand, the complement: FPR1 is on the minus strand). VCF-style: chr19-51746013-A-G. GRCh37 (hg19) VCF-style: chr19-52249266-A-G.
Other names: c.982T>C, p.Ser328Pro (NM_001193306.2); short protein forms S328P.
Identifiers: ClinVar variation 2147975 (VCV002147975.5), dbSNP rs2513919130, ClinGen allele CA407114932.